The following is an entry in ClinVar:

NM_002204.4(ITGA3):c.2623C>T (p.Arg875Ter)

Gene: ITGA3 (integrin subunit alpha 3; plus strand). Cytogenetic location: 17q21.33.
Variant type: single nucleotide variant.
Coding change: c.2623C>T on transcript NM_002204.4 (MANE Select); coding-DNA position 2623, C replaced by T.
Protein change: p.Arg875Ter; replaces arginine 875 with a stop codon.
Molecular consequence: nonsense.
Genome position (GRCh38, 1-based): chr17:50,079,474, C>T. VCF-style: chr17-50079474-C-T. GRCh37 (hg19) VCF-style: chr17-48156838-C-T.
Other names: NC_000017.10:g.48156838C>T; short protein forms R875*.
Identifiers: ClinVar variation 817532 (VCV000817532.5), dbSNP rs200810866, ClinGen allele CA8641985.

ClinVar aggregate classification (germline): Likely pathogenic. Review status: criteria provided, multiple submitters, no conflicts (2 of 4 stars). 2 submissions from 2 submitters: Likely pathogenic (2). Last evaluated 2022-10-18.

Conditions:
Epidermolysis bullosa, junctional 7, with interstitial lung disease and nephrotic syndrome. Also called: Interstitial lung disease, nephrotic syndrome, and epidermolysis bullosa, congenital; Interstitial Lung Disease with Nephrotic Syndrome and Epidermolysis Bullosa. Identifiers: Orphanet 306504, MedGen C4518785, MONDO:0013881, OMIM 614748.

Allele frequency attached by ClinVar (database versions not stated): gnomAD exomes 0.00001; TOPMed 0.00003; ExAC 0.00003; gnomAD 0.00004; ESP Exome Variant Server 0.00023.
gnomAD v4.1: 23 of 1,575,748 alleles (0.0015%); highest among the groups gnomAD compares: African/African-American, 0.0055%; no homozygotes.

Submissions (3):

GeneDx
Classification: Likely pathogenic. Last evaluated: 2022-10-18. Review status: criteria provided, single submitter. Criteria: GeneDx Variant Classification Process June 2021. Collection method: clinical testing. Allele origin: germline. Affected: yes.
Comment: Nonsense variant predicted to result in protein truncation or nonsense mediated decay in a gene for which loss-of-function is a known mechanism of disease; Has not been previously published as pathogenic or benign to our knowledge

Fulgent Genetics
Classification: Likely pathogenic for Epidermolysis bullosa, junctional 7, with interstitial lung disease and nephrotic syndrome. Last evaluated: 2021-11-25. Review status: criteria provided, single submitter. Criteria: ACMG Guidelines, 2015. Collection method: clinical testing. Allele origin: unknown.

Dr. Peter K. Rogan Lab, Western University
No classification provided (evidence only). Condition: Malignant tumor of esophagus. Review status: no classification provided. Collection method: in vitro. Allele origin: not applicable. Functional consequence: retained intron. Not counted in ClinVar's aggregate classification.